The following is an entry in ClinVar:

ClinVar aggregate classification (germline): Likely benign (0 of 4 stars; one submission).

Conditions:
SALL1-related disorder. Also called: SALL1-related condition.

Allele frequency attached by ClinVar (database versions not stated): ExAC 0.00001; gnomAD exomes 0.00001; ESP Exome Variant Server 0.00008.

Submission:

PreventionGenetics, part of Exact Sciences
Classification: Likely benign for SALL1-related condition. Last evaluated: 2019-03-07. Review status: no assertion criteria provided. Collection method: clinical testing. Allele origin: germline.
Comment: This variant is classified as likely benign based on ACMG/AMP sequence variant interpretation guidelines (Richards et al. 2015 PMID: 25741868, with internal and published modifications).

NM_002968.3(SALL1):c.1143C>T (p.Ser381=)

Gene: SALL1 (spalt like transcription factor 1; minus strand). Cytogenetic location: 16q12.1.
Variant type: single nucleotide variant.
Coding change: c.1143C>T on transcript NM_002968.3 (MANE Select); coding-DNA position 1143, C replaced by T.
Protein change: p.Ser381=; no amino-acid change (serine 381 retained).
Molecular consequence: synonymous variant.
Genome position (GRCh38, 1-based): chr16:51,141,079, G>A on the plus strand (C>T on the coding strand, the complement: SALL1 is on the minus strand). VCF-style: chr16-51141079-G-A. GRCh37 (hg19) VCF-style: chr16-51174990-G-A.
Other names: c.852C>T, p.Ser284= (NM_001127892.2).
Identifiers: ClinVar variation 3047672 (VCV003047672.2), dbSNP rs369940056, ClinGen allele CA8053332.